The following is an entry in ClinVar:

ClinVar aggregate classification (germline): Uncertain significance. Review status: criteria provided, multiple submitters, no conflicts (2 of 4 stars). 4 submissions from 4 submitters: Uncertain significance (3). 1 of the submissions does not count toward it. Last evaluated 2025-05-16.

Conditions:
SEMA3A-related disorder. Also called: SEMA3A-related condition.
Hypogonadotropic hypogonadism 16 with or without anosmia (HH16). Also called: HYPOGONADOTROPIC HYPOGONADISM 16 WITH ANOSMIA, SUSCEPTIBILITY TO. Identifiers: Orphanet 478, MedGen C3554021, MONDO:0013961, OMIM 614897.

Allele frequency attached by ClinVar (database versions not stated): gnomAD 0.00003 and 0.00004; ESP Exome Variant Server 0.00008; ExAC 0.00002; gnomAD exomes 0.00002; TOPMed 0.00002.
gnomAD v4.1: 48 of 1,613,876 alleles (0.003%); highest among the groups gnomAD compares: African/African-American, 0.011%; no homozygotes.

Submissions (4):

PreventionGenetics, part of Exact Sciences
Classification: Uncertain significance for SEMA3A-related condition. Last evaluated: 2025-05-16. Review status: criteria provided, single submitter. Criteria: ACMG Guidelines, 2015. Collection method: clinical testing. Allele origin: germline.
Comment: The SEMA3A c.2198G>A variant is predicted to result in the amino acid substitution p.Arg733His. This variant was reported in an individual with Kallmann syndrome and functional studies supported an effect on the protein (Hanchate et al. 2012. PubMed ID: 22927827). This variant has also been reported in an individual with growth hormone deficiency, hypogonadotrophic hypogonadism, and borderline intellectual disability; however, they also had a pathogenic variant in SOX3 (Li et al. 2022. PubMed ID: 35295983). An alternate missense change at the same amino acid position and one at the adjacent residue have also been reported in at least one affected individual each (p.Arg733Cys, Barroso. 2019. PubMed ID: 31726455; p.Arg734Gln, Cassatella. 2018. PubMed ID: 29419413). However, all of these variants are also documented in the gnomAD database in 4-17 heterozygous individuals, an overall frequency higher than expected for pathogenic variants in this gene. This variant is reported in 0.0054% of alleles in individuals of East Asian descent in gnomAD. At this time, the clinical significance of this variant is uncertain due to the absence of conclusive functional and genetic evidence.

Labcorp Genetics (formerly Invitae), Labcorp
Classification: Uncertain significance. Last evaluated: 2021-11-05. Review status: criteria provided, single submitter. Criteria: Invitae Variant Classification Sherloc (09022015). Collection method: clinical testing. Allele origin: germline.
Comment: In summary, the available evidence is currently insufficient to determine the role of this variant in disease. Therefore, it has been classified as a Variant of Uncertain Significance. Experimental studies have shown that this missense change affects SEMA3A function (PMID: 22927827). Algorithms developed to predict the effect of missense changes on protein structure and function are either unavailable or do not agree on the potential impact of this missense change (SIFT: "Deleterious"; PolyPhen-2: "Possibly Damaging"; Align-GVGD: "Class C0"). ClinVar contains an entry for this variant (Variation ID: 68835). This missense change has been observed in individual(s) with Kallmann syndrome (PMID: 22927827). This variant is present in population databases (rs318240753, gnomAD 0.006%). This sequence change replaces arginine, which is basic and polar, with histidine, which is basic and polar, at codon 733 of the SEMA3A protein (p.Arg733His).

Institute of Human Genetics, University of Leipzig Medical Center
Classification: Uncertain significance for Hypogonadotropic hypogonadism 16 with or without anosmia. Last evaluated: 2019-01-01. Review status: criteria provided, single submitter. Criteria: ACMG Guidelines, 2015. Collection method: clinical testing. Allele origin: unknown. Affected: yes.

UniProtKB/Swiss-Prot
No classification provided. Review status: no classification provided. Collection method: not provided. Allele origin: not provided. Not counted in ClinVar's aggregate classification.

Literature cited by the submitters: PubMed 22927827 (cited by Labcorp Genetics (formerly Invitae), Labcorp).

NM_006080.3(SEMA3A):c.2198G>A (p.Arg733His)

Gene: SEMA3A (semaphorin 3A; minus strand). Cytogenetic location: 7q21.11.
Variant type: single nucleotide variant.
Coding change: c.2198G>A on transcript NM_006080.3 (MANE Select); coding-DNA position 2198, G replaced by A.
Protein change: p.Arg733His; replaces arginine 733 with histidine.
Molecular consequence: missense variant.
Genome position (GRCh38, 1-based): chr7:83,961,489, C>T on the plus strand (G>A on the coding strand, the complement: SEMA3A is on the minus strand). VCF-style: chr7-83961489-C-T. GRCh37 (hg19) VCF-style: chr7-83590805-C-T.
Other names: short protein forms R733H.
Identifiers: ClinVar variation 68835 (VCV000068835.11), dbSNP rs318240753, ClinGen allele CA220075.